The following is an entry in ClinVar:

ClinVar aggregate classification (germline): Uncertain significance. Review status: criteria provided, multiple submitters, no conflicts (2 of 4 stars). 2 submissions from 2 submitters: Uncertain significance (2). Last evaluated 2025-03-17.

Conditions:
Malignant hyperthermia, susceptibility to, 5 (MHS5). Also called: CACNA1S-Related Malignant Hyperthermia Susceptibility. Identifiers: Orphanet 423, MedGen C1866077, MONDO:0011163, OMIM 601887.

Submissions (2):

GeneDx
Classification: Uncertain significance. Last evaluated: 2025-03-17. Review status: criteria provided, single submitter. Criteria: GeneDx Variant Classification Process June 2021. Collection method: clinical testing. Allele origin: germline. Affected: yes.
Comment: In silico analysis supports that this missense variant has a deleterious effect on protein structure/function; Has not been previously published as pathogenic or benign to our knowledge

All of Us Research Program, National Institutes of Health
Classification: Uncertain significance for Malignant hyperthermia, susceptibility to, 5. Last evaluated: 2023-06-26. Review status: criteria provided, single submitter. Criteria: ACMG Guidelines, 2015. Collection method: clinical testing. Allele origin: germline. Inheritance: Autosomal dominant inheritance. Observed: 1 variant allele, 1 heterozygote.
Comment: This missense variant replaces phenylalanine with cysteine at codon 581 of the CACNA1S protein. Computational prediction suggests that this variant may have deleterious impact on protein structure and function (internally defined REVEL score threshold >= 0.7, PMID: 27666373). To our knowledge, functional studies have not been reported for this variant. This variant has not been reported in individuals affected with CACNA1S-related disorders in the literature. This variant has been identified in 5/251496 chromosomes in the general population by the Genome Aggregation Database (gnomAD). The available evidence is insufficient to determine the role of this variant in disease conclusively. Therefore, this variant is classified as a Variant of Uncertain Significance.

This study involves interpretation of variants in research participants for the purpose of population health screening. Participant phenotype was not available at the time of variant classification. Additional details can be found in publication PMID: 35346344, PMCID: PMC8962531

NM_000069.3(CACNA1S):c.1742T>G (p.Phe581Cys)

Gene: CACNA1S (calcium voltage-gated channel subunit alpha1 S; minus strand). Cytogenetic location: 1q32.1.
Variant type: single nucleotide variant.
Coding change: c.1742T>G on transcript NM_000069.3 (MANE Select); coding-DNA position 1742, T replaced by G.
Protein change: p.Phe581Cys; replaces phenylalanine 581 with cysteine.
Molecular consequence: missense variant.
Genome position (GRCh38, 1-based): chr1:201,077,005, A>C on the plus strand (T>G on the coding strand, the complement: CACNA1S is on the minus strand). VCF-style: chr1-201077005-A-C. GRCh37 (hg19) VCF-style: chr1-201046133-A-C.
Other names: c.1742T>G (NM_000069.2); short protein forms F581C.
Identifiers: ClinVar variation 3072206 (VCV003072206.2), dbSNP rs756599133, ClinGen allele CA078545.